The following is an entry in ClinVar:

NM_001130987.2(DYSF):c.3496+1G>A

Gene: DYSF (dysferlin; plus strand). Cytogenetic location: 2p13.2.
Variant type: single nucleotide variant.
Coding change: c.3496+1G>A on transcript NM_001130987.2 (MANE Select); the canonical splice donor site of the intron after coding-DNA position 3496, G replaced by A.
Molecular consequence: splice donor variant.
Genome position (GRCh38, 1-based): chr2:71,589,687, G>A. VCF-style: chr2-71589687-G-A. GRCh37 (hg19) VCF-style: chr2-71816817-G-A.
Other names: c.3535+1G>A (NM_001130979.2); c.3493+1G>A (NM_001130981.2, NM_001130980.2); c.3442+1G>A (NM_001130978.2, NM_003494.4); c.3400+1G>A (NM_001130977.2, NM_001130976.2); c.3538+1G>A (NM_001130982.2); c.3496+1G>A (NM_001130985.2); c.3445+1G>A (NM_001130983.2, NM_001130455.2); c.3403+1G>A (NM_001130984.2, NM_001130986.2).
Identifiers: ClinVar variation 1483067 (VCV001483067.6), dbSNP rs1486303961, ClinGen allele CA347220707.
Genomic context (GRCh38, chr2:71,589,687, plus strand): 5'-TGTCCGTCTCCACCTTGAGCTTCGGTGTGAACAGACCCACGATTTCCTGCATATTCGACT[G>A]TAAGTGAGGCTTCGAGGCCTCTATGGGGTGATAAGGGTGTGTCACCTTATGCTTCTGTTT-3'

ClinVar aggregate classification (germline): Pathogenic (1 of 4 stars; one submission).

Conditions:
Neuromuscular disease caused by qualitative or quantitative defects of dysferlin. Also called: Dysferlinopathy; Qualitative or quantitative defects of dysferlin. Identifiers: Orphanet 207073, MedGen C2931687, MONDO:0016145.

Allele frequency attached by ClinVar (database versions not stated): gnomAD 0.00001.
gnomAD v4.1: 1 of 1,613,770 alleles (0.000062%); highest among the groups gnomAD compares: Non-Finnish European, 0.000085%; no homozygotes.

Submission:

Labcorp Genetics (formerly Invitae), Labcorp
Classification: Pathogenic for Neuromuscular disease caused by qualitative or quantitative defects of dysferlin. Last evaluated: 2024-01-18. Review status: criteria provided, single submitter. Criteria: Invitae Variant Classification Sherloc (09022015). Collection method: clinical testing. Allele origin: germline.
Comment: This sequence change affects a donor splice site in intron 31 of the DYSF gene. It is expected to disrupt RNA splicing. Variants that disrupt the donor or acceptor splice site typically lead to a loss of protein function (PMID: 16199547), and loss-of-function variants in DYSF are known to be pathogenic (PMID: 17698709, 20301480). This variant is present in population databases (no rsID available, gnomAD 0.0009%). Disruption of this splice site has been observed in individual(s) with autosomal recessive DYSF-related conditions and/or clinical features of DYSF-related conditions (PMID: 27647186; Invitae). In at least one individual the data is consistent with being in trans (on the opposite chromosome) from a pathogenic variant. ClinVar contains an entry for this variant (Variation ID: 1483067). Algorithms developed to predict the effect of sequence changes on RNA splicing suggest that this variant may disrupt the consensus splice site. For these reasons, this variant has been classified as Pathogenic.

Literature cited by the submitters: PubMed 16199547; PubMed 17698709; PubMed 20301480; PubMed 27647186.